The following is an entry in ClinVar:

NM_005227.3(EFNA4):c.535dup (p.Asp179fs)

Genes: ADAM15-EFNA4 (ADAM15-EFNA4 readthrough; plus strand), EFNA4 (ephrin A4; plus strand), EFNA4-EFNA3 (EFNA4-EFNA3 readthrough; plus strand). Cytogenetic location: 1q21.3.
Variant type: Duplication.
Coding change: c.535dup on transcript NM_005227.3 (MANE Select); coding-DNA position 535, one base duplicated (G; older notation c.535dupG).
Protein change: p.Asp179fs; shifts the reading frame from aspartic acid 179.
Molecular consequence: frameshift variant. On other transcripts: intron variant (2).
Genome position (GRCh38, 1-based): chr1:155,068,918, G duplicated; the last of 7 consecutive G bases (chr1:155,068,912-155,068,918); duplicating any one gives the same sequence. VCF-style (leftmost placement, unchanged base first): chr1-155068911-A-AG. GRCh37 (hg19) VCF-style: chr1-155041387-A-AG.
Other names: c.470-81dup (NM_182690.3); c.470-101dup (NM_182689.2); short protein forms D179fs.
Identifiers: ClinVar variation 1945950 (VCV001945950.5), dbSNP rs754580525, ClinGen allele CA1137675.

ClinVar aggregate classification (germline): Uncertain significance (1 of 4 stars; one submission).

Submission:

Labcorp Genetics (formerly Invitae), Labcorp
Classification: Uncertain significance. Last evaluated: 2022-07-14. Review status: criteria provided, single submitter. Criteria: Invitae Variant Classification Sherloc (09022015). Collection method: clinical testing. Allele origin: germline.
Comment: This variant has not been reported in the literature in individuals affected with EFNA4-related conditions. In summary, the available evidence is currently insufficient to determine the role of this variant in disease. Therefore, it has been classified as a Variant of Uncertain Significance. Experimental studies and prediction algorithms are not available or were not evaluated, and the functional significance of this variant is currently unknown. The frequency data for this variant in the population databases is considered unreliable, as metrics indicate poor data quality at this position in the gnomAD database. This sequence change results in a frameshift in the EFNA4 gene (p.Asp179Glyfs*65). While this is not anticipated to result in nonsense mediated decay, it is expected to disrupt the last 23 amino acid(s) of the EFNA4 protein and extend the protein by 41 additional amino acid residues.